The following is an entry in ClinVar:

NM_172351.3(CD46):c.307C>T (p.Arg103Trp)

Gene: CD46 (CD46 molecule; plus strand). Cytogenetic location: 1q32.2.
Variant type: single nucleotide variant.
Coding change: c.307C>T on transcript NM_172351.3 (MANE Select); coding-DNA position 307, C replaced by T.
Protein change: p.Arg103Trp; replaces arginine 103 with tryptophan.
Molecular consequence: missense variant.
Genome position (GRCh38, 1-based): chr1:207,757,560, C>T. VCF-style: chr1-207757560-C-T. GRCh37 (hg19) VCF-style: chr1-207930905-C-T.
Other names: c.307C>T, p.Arg103Trp (NM_002389.4, NM_153826.4, NM_172350.3 and 8 more transcripts); short protein forms R103W.
Identifiers: ClinVar variation 4291257 (VCV004291257.1).

ClinVar aggregate classification (germline): Uncertain significance (1 of 4 stars; one submission).

Conditions:
Atypical hemolytic-uremic syndrome. Identifiers: Orphanet 2134, MedGen C2931788, MONDO:0016244.

gnomAD v4.1: 12 of 1,604,190 alleles (0.00075%); highest among the groups gnomAD compares: South Asian, 0.0044%; no homozygotes.

Submission:

Genomenon, Inc
Classification: Uncertain significance for Atypical hemolytic-uremic syndrome. Last evaluated: 2025-10-02. Review status: criteria provided, single submitter. Criteria: Genomenon Sequence Variant Interpretation Standards. Collection method: curation. Allele origin: germline. Affected: yes.
Comment: CD46 p.Arg103Trp (c.307C>T) is a missense variant that changes the amino acid at residue 103 from Arginine to Tryptophan. This variant has been observed in at least one proband affected with atypical hemolytic-uremic syndrome (PMID:17914026;23431077;15661753;23307876). The variant was found to segregate with disease in at least one affected family (PMID:17914026). Functional studies have been reported; however, the significance of the findings remain unclear (PMID:17914026). It is absent or not present at a significant frequency in gnomAD. In conclusion, we classify CD46 p.Arg103Trp (c.307C>T) as a variant of uncertain significance.

Literature cited by the submitters: PubMed 17914026; PubMed 23431077; PubMed 15661753; PubMed 23307876.